The following is an entry in ClinVar:

ClinVar aggregate classification (germline): Pathogenic. Review status: criteria provided, single submitter (1 of 4 stars). 2 submissions from 2 submitters: Pathogenic (1). 1 of the submissions does not count toward it. Last evaluated 2018-05-15.

Conditions:
Autosomal recessive polycystic kidney disease (ARPKD). Also called: AR polycystic kidney disease. Identifiers: Orphanet 731, Orphanet 8378, MedGen C0085548, MeSH D017044, MONDO:0009889.
Polycystic kidney disease 4 (PKD4). Also called: POLYCYSTIC KIDNEY DISEASE 4 WITH OR WITHOUT POLYCYSTIC LIVER DISEASE; POLYCYSTIC KIDNEY AND HEPATIC DISEASE 1; POLYCYSTIC KIDNEY DISEASE, INFANTILE, TYPE I; PKD3; Autosomal Recessive Polycystic Kidney Disease – PKHD1. Identifiers: MedGen C4540575, MONDO:0033004, OMIM 263200.

Submissions (2):

Center of Genomic medicine, Geneva, University Hospital of Geneva
Classification: Pathogenic for Autosomal recessive polycystic kidney disease. Last evaluated: 2018-05-15. Review status: criteria provided, single submitter. Criteria: ACMG Guidelines, 2015. Collection method: clinical testing. Allele origin: maternal. Affected: yes.

Counsyl
Classification: Likely pathogenic for Polycystic kidney disease 4. Last evaluated: 2017-03-23. Review status: no assertion criteria provided. Collection method: clinical testing. Allele origin: unknown. Not counted in ClinVar's aggregate classification.

NM_138694.4(PKHD1):c.10036_10045del (p.Cys3346fs)

Gene: PKHD1 (PKHD1 ciliary IPT domain containing fibrocystin/polyductin; minus strand). Cytogenetic location: 6p12.3.
Variant type: Deletion.
Coding change: c.10036_10045del on transcript NM_138694.4 (MANE Select); coding-DNA positions 10036 to 10045, 10 bases deleted (TGTGCAAGTC; older notation c.10036_10045delTGTGCAAGTC).
Protein change: p.Cys3346fs; shifts the reading frame from cysteine 3346.
Molecular consequence: frameshift variant.
Genome position (GRCh38, 1-based): chr6:51,744,496-51,744,505, GACTTGCACA deleted on the plus strand (TGTGCAAGTC on the coding strand, the reverse complement: PKHD1 is on the minus strand); deleting any 10 consecutive bases within chr6:51,744,496-51,744,506 gives the same sequence; the c. name uses the placement nearest the transcript's 3' end. VCF-style (leftmost placement, unchanged base first): chr6-51744495-GGACTTGCACA-G. GRCh37 (hg19) VCF-style: chr6-51609293-GGACTTGCACA-G.
Other names: c.10036_10045del, p.Cys3346fs (NM_170724.3); short protein forms C3346fs.
Identifiers: ClinVar variation 551074 (VCV000551074.4), dbSNP rs1554216571, ClinGen allele CA658821793.